The following is an entry in ClinVar:

ClinVar aggregate classification (germline): Pathogenic/Likely pathogenic. Review status: criteria provided, multiple submitters, no conflicts (2 of 4 stars). 3 submissions from 3 submitters: Pathogenic (1); Likely pathogenic (2). Last evaluated 2024-11-05.

Conditions:
Kabuki syndrome 1 (KABUK1). Also called: KMT2D-Related Kabuki Syndrome. Identifiers: Orphanet 2322, MedGen CN030661, MONDO:0007843, OMIM 147920.

Submissions (3):

Gharavi Laboratory, Columbia University
Classification: Likely pathogenic for Kabuki syndrome 1. Last evaluated: 2024-11-05. Review status: criteria provided, single submitter. Criteria: ACMG Guidelines, 2015. Collection method: case-control. Allele origin: germline. Affected: yes.

Victorian Clinical Genetics Services, Murdoch Childrens Research Institute
Classification: Pathogenic for Kabuki syndrome 1. Last evaluated: 2018-11-12. Review status: criteria provided, single submitter. Criteria: ACMG Guidelines, 2015. Collection method: clinical testing. Allele origin: de novo. Affected: yes. Observed: 1 variant allele.
Comment: A heterozygous nonsense variant, NM_003482.3(KMT2D):c.12268C>T, has been identified in exon 39 of 54 of the KMT2D gene. The variant is predicted to result in a premature stop codon at position 4090 of the protein (NP_003473.3(KMT2D):p.(Gln4090*)). This variant is predicted to result in loss of protein function through nonsense-mediated decay, which is a reported mechanism of pathogenicity for this gene. The variant is absent in the gnomAD population database, and has previously been described as likely pathogenic (ClinVar). Many up- and downstream variants resulting in a premature termination codon have been reported in patients with Kabuki syndrome (ClinVar). Analysis of parental samples indicated this variant is de novo. Based on the information available at the time of curation, this variant has been classified as PATHOGENIC.

Baylor-Hopkins Center for Mendelian Genomics, Johns Hopkins University School of Medicine
Classification: Likely pathogenic for Kabuki syndrome 1. Review status: criteria provided, single submitter. Criteria: ACMG Guidelines, 2015. Collection method: research. Allele origin: unknown. Affected: yes. Observed: 1 variant allele.

Literature cited by the submitters: PubMed 29255178 (cited by Baylor-Hopkins Center for Mendelian Genomics, Johns Hopkins University School of Medicine).

NM_003482.4(KMT2D):c.12268C>T (p.Gln4090Ter)

Gene: KMT2D (lysine methyltransferase 2D; minus strand). Cytogenetic location: 12q13.12.
Variant type: single nucleotide variant.
Coding change: c.12268C>T on transcript NM_003482.4 (MANE Select); coding-DNA position 12268, C replaced by T.
Protein change: p.Gln4090Ter; replaces glutamine 4090 with a stop codon.
Molecular consequence: nonsense.
Genome position (GRCh38, 1-based): chr12:49,032,437, G>A on the plus strand (C>T on the coding strand, the complement: KMT2D is on the minus strand). VCF-style: chr12-49032437-G-A. GRCh37 (hg19) VCF-style: chr12-49426220-G-A.
Other names: short protein forms Q4090*.
Identifiers: ClinVar variation 430810 (VCV000430810.5), dbSNP rs1555188155, ClinGen allele CA384712383.